The following is an entry in ClinVar:

ClinVar aggregate classification (germline): Uncertain significance (1 of 4 stars; one submission).

Conditions:
Primary dilated cardiomyopathy (DCM). Also called: Dilated Cardiomyopathy. Identifiers: Orphanet 217604, MedGen C0007193, MeSH D002311, MONDO:0005021, HP:0001644. Inheritance: Various modes of inheritance.
Hypertrophic cardiomyopathy. Also called: HYPERTROPHIC MYOCARDIOPATHY. Identifiers: Orphanet 217569, MedGen C0007194, MeSH D002312, MONDO:0005045, HP:0001639.

Submission:

Labcorp Genetics (formerly Invitae), Labcorp
Classification: Uncertain significance for Hypertrophic cardiomyopathy; Primary dilated cardiomyopathy. Last evaluated: 2025-01-12. Review status: criteria provided, single submitter. Criteria: Invitae Variant Classification Sherloc (09022015). Collection method: clinical testing. Allele origin: germline.
Comment: This sequence change creates a premature translational stop signal (p.Leu87*) in the PDLIM3 gene. It is expected to result in an absent or disrupted protein product. However, the current clinical and genetic evidence is not sufficient to establish whether loss-of-function variants in PDLIM3 cause disease. This variant is not present in population databases (gnomAD no frequency). This variant has not been reported in the literature in individuals affected with PDLIM3-related conditions. In summary, the available evidence is currently insufficient to determine the role of this variant in disease. Therefore, it has been classified as a Variant of Uncertain Significance.

NM_014476.6(PDLIM3):c.260T>A (p.Leu87Ter)

Gene: PDLIM3 (PDZ and LIM domain 3; minus strand). Cytogenetic location: 4q35.1.
Variant type: single nucleotide variant.
Coding change: c.260T>A on transcript NM_014476.6 (MANE Select); coding-DNA position 260, T replaced by A.
Protein change: p.Leu87Ter; replaces leucine 87 with a stop codon.
Molecular consequence: nonsense. On other transcripts: non-coding transcript variant (1), intron variant (1).
Genome position (GRCh38, 1-based): chr4:185,523,432, A>T on the plus strand (T>A on the coding strand, the complement: PDLIM3 is on the minus strand). VCF-style: chr4-185523432-A-T. GRCh37 (hg19) VCF-style: chr4-186444586-A-T.
Other names: c.260T>A, p.Leu87Ter (NM_001114107.5, NM_001257962.2); c.94-9095T>A (NM_001257963.2); short protein forms L87*.
Identifiers: ClinVar variation 3749066 (VCV003749066.2).